The following is an entry in ClinVar:

ClinVar aggregate classification (germline): Conflicting classifications of pathogenicity. Review status: criteria provided, conflicting classifications (1 of 4 stars). 2 submissions from 2 submitters: Likely pathogenic (1); Uncertain significance (1). Last evaluated 2024-01-02.

Conditions:
Ataxia-pancytopenia syndrome (ATXPC). Also called: SAMD9L-Related Syndrome; SAMD9L Ataxia-Pancytopenia Syndrome. Identifiers: Orphanet 2585, MedGen C1327919, MONDO:0008038, OMIM 159550.

Submissions (2):

St. Jude Molecular Pathology, St. Jude Children's Research Hospital
Classification: Likely pathogenic for Ataxia-pancytopenia syndrome. Last evaluated: 2024-01-02. Review status: criteria provided, single submitter. Criteria: St. Jude Assertion Criteria 2020. Collection method: clinical testing. Allele origin: germline. Affected: yes.
Comment: The SAMD9L c.3374A>G (p.Gln1125Arg) missense change is absent in gnomAD v2.1.1. The in silico tool REVEL predicts a benign effect on protein function, but this prediction has not been confirmed by functional studies. In silico predictions have not been found to correlate with syndromic risk and are not considered supporting evidence of a pathogenic or benign effect (PMID: 34621053). In summary, this variant meets criteria to be classified as likely pathogenic.

Labcorp Genetics (formerly Invitae), Labcorp
Classification: Uncertain significance. Last evaluated: 2022-01-27. Review status: criteria provided, single submitter. Criteria: Invitae Variant Classification Sherloc (09022015). Collection method: clinical testing. Allele origin: germline.
Comment: This sequence change replaces glutamine, which is neutral and polar, with arginine, which is basic and polar, at codon 1125 of the SAMD9L protein (p.Gln1125Arg). This variant is not present in population databases (gnomAD no frequency). This variant has not been reported in the literature in individuals affected with SAMD9L-related conditions. Algorithms developed to predict the effect of missense changes on protein structure and function are either unavailable or do not agree on the potential impact of this missense change (SIFT: "Not Available"; PolyPhen-2: "Benign"; Align-GVGD: "Not Available"). In summary, the available evidence is currently insufficient to determine the role of this variant in disease. Therefore, it has been classified as a Variant of Uncertain Significance.

NM_152703.5(SAMD9L):c.3374A>G (p.Gln1125Arg)

Gene: SAMD9L (sterile alpha motif domain containing 9 like; minus strand). Cytogenetic location: 7q21.2.
Variant type: single nucleotide variant.
Coding change: c.3374A>G on transcript NM_152703.5 (MANE Select); coding-DNA position 3374, A replaced by G.
Protein change: p.Gln1125Arg; replaces glutamine 1125 with arginine.
Molecular consequence: missense variant.
Genome position (GRCh38, 1-based): chr7:93,132,598, T>C on the plus strand (A>G on the coding strand, the complement: SAMD9L is on the minus strand). VCF-style: chr7-93132598-T-C. GRCh37 (hg19) VCF-style: chr7-92761911-T-C.
Other names: c.3374A>G, p.Gln1125Arg (NM_001303496.3, NM_001303497.3, NM_001303498.3 and 5 more transcripts); short protein forms Q1125R.
Identifiers: ClinVar variation 2090304 (VCV002090304.5), dbSNP rs2535412896, ClinGen allele CA368183027.
Genomic context (GRCh38, chr7:93,132,598, plus strand): 5'-GTAATGCTCCTACAGTTTTTGTTCCCATCCAACCACCATTTGATTTCACTTTTGTAGACT[T>C]GACCTAGTGTATCTGAAATATAGGAATTTTTAGGTGCTTTCATTTTGGCCTGACGTGCCC-3'
Protein context (NP_689916.2, residues 1115-1135): KNSYISDTLG[Gln1125Arg]VYKSEIKWWL